The following is an entry in ClinVar:

NM_003177.7(SYK):c.1582-176T>C

Gene: SYK (spleen associated tyrosine kinase; plus strand). Cytogenetic location: 9q22.2.
Variant type: single nucleotide variant.
Coding change: c.1582-176T>C on transcript NM_003177.7 (MANE Select); 176 bases into the intron before coding-DNA position 1582, T replaced by C.
Molecular consequence: intron variant.
Genome position (GRCh38, 1-based): chr9:90,887,573, T>C. VCF-style: chr9-90887573-T-C. GRCh37 (hg19) VCF-style: chr9-93649855-T-C.
Other names: c.1513-176T>C (NM_001174168.3, NM_001135052.4); c.1582-176T>C (NM_001174167.3).
Identifiers: ClinVar variation 4852733 (VCV004852733.2).

ClinVar aggregate classification (germline): Likely benign (1 of 4 stars; one submission).

Submission:

Dasa
Classification: Likely benign. Last evaluated: 2026-01-27. Review status: criteria provided, single submitter. Criteria: DASA Assertion Criteria. Collection method: clinical testing. Allele origin: germline.
Comment: NM_003177.7(SYK):c.1582-176T>C is an intronic variant. The variant context is inconsistent with a known disease-causing mechanism. Computational prediction algorithms are consistent with a benign effect. Therefore, based on the currently available evidence, this variant is classified as likely benign.